The following is an entry in ClinVar:

NM_003500.4(ACOX2):c.1764G>A (p.Ser588=)

Gene: ACOX2 (acyl-CoA oxidase 2; minus strand). Cytogenetic location: 3p14.3.
Variant type: single nucleotide variant.
Coding change: c.1764G>A on transcript NM_003500.4 (MANE Select); coding-DNA position 1764, G replaced by A.
Protein change: p.Ser588=; no amino-acid change (serine 588 retained).
Molecular consequence: synonymous variant.
Genome position (GRCh38, 1-based): chr3:58,517,292, C>T on the plus strand (G>A on the coding strand, the complement: ACOX2 is on the minus strand). VCF-style: chr3-58517292-C-T. GRCh37 (hg19) VCF-style: chr3-58503019-C-T.
Other names: c.1764G>A (NM_003500.3).
Identifiers: ClinVar variation 1571094 (VCV001571094.11), dbSNP rs144682871, ClinGen allele CA2471959.

ClinVar aggregate classification (germline): Likely benign. Review status: criteria provided, single submitter (1 of 4 stars). 2 submissions from 2 submitters: Likely benign (1). 1 of the submissions does not count toward it. Last evaluated 2025-10-27.

Conditions:
ACOX2-related disorder. Also called: ACOX2-related condition.

Allele frequency attached by ClinVar (database versions not stated): TOPMed 0.00024; gnomAD 0.00025 and 0.00027; ESP Exome Variant Server 0.00046.
gnomAD v4.1: 514 of 1,614,164 alleles (0.032%); highest among the groups gnomAD compares: Non-Finnish European, 0.04%; no homozygotes.

Submissions (3):

Labcorp Genetics (formerly Invitae), Labcorp
Classification: Likely benign. Last evaluated: 2025-10-27. Review status: criteria provided, single submitter. Criteria: Invitae Variant Classification Sherloc (09022015). Collection method: clinical testing. Allele origin: germline.

PreventionGenetics, part of Exact Sciences
Classification: Likely benign for ACOX2-related condition. Last evaluated: 2023-05-22. Review status: no assertion criteria provided. Collection method: clinical testing. Allele origin: germline. Not counted in ClinVar's aggregate classification.
Comment: This variant is classified as likely benign based on ACMG/AMP sequence variant interpretation guidelines (Richards et al. 2015 PMID: 25741868, with internal and published modifications).

Dr. Peter K. Rogan Lab, Western University
No classification provided (evidence only). Condition: Uveal melanoma. Review status: no classification provided. Collection method: in vitro. Allele origin: not applicable. Functional consequence: retained intron. Not counted in ClinVar's aggregate classification.